The following is an entry in ClinVar:

ClinVar aggregate classification (germline): Likely benign (1 of 4 stars; one submission).

Allele frequency attached by ClinVar (database versions not stated): 1000 Genomes Project 30x 0.00062; TOPMed 0.00070; 1000 Genomes Project 0.00080; gnomAD exomes 0.00173; gnomAD 0.00188.
gnomAD v4.1: 2,057 of 1,182,336 alleles (0.17%); highest among the groups gnomAD compares: Non-Finnish European, 0.14%; 5 homozygotes.

Submission:

GeneDx
Classification: Likely benign. Last evaluated: 2019-11-29. Review status: criteria provided, single submitter. Criteria: GeneDx Variant Classification Process June 2021. Collection method: clinical testing. Allele origin: germline. Affected: yes.
Comment: See Variant Classification Assertion Criteria.

NM_152564.5(VPS13B):c.10061+94T>C

Gene: VPS13B (vacuolar protein sorting 13 homolog B; plus strand). Cytogenetic location: 8q22.2.
Variant type: single nucleotide variant.
Coding change: c.10061+94T>C on transcript NM_152564.5 (MANE Select); 94 bases into the intron after coding-DNA position 10061, T replaced by C.
Molecular consequence: intron variant.
Genome position (GRCh38, 1-based): chr8:99,848,988, T>C. VCF-style: chr8-99848988-T-C. GRCh37 (hg19) VCF-style: chr8-100861216-T-C.
Other names: c.10136+94T>C (NM_017890.5).
Identifiers: ClinVar variation 1706827 (VCV001706827.2), dbSNP rs183224726, ClinGen allele CA182310843.